The following is an entry in ClinVar:

ClinVar aggregate classification (germline): Uncertain significance. Review status: criteria provided, multiple submitters, no conflicts (2 of 4 stars). 3 submissions from 3 submitters: Uncertain significance (3). Last evaluated 2025-11-24.

Conditions:
Inborn genetic diseases. Identifiers: MedGen C0950123, MeSH D030342.

Allele frequency attached by ClinVar (database versions not stated): gnomAD exomes 0.00008 and 0.00009; gnomAD 0.00005; TOPMed 0.00006; ExAC 0.00007.
gnomAD v4.1: 129 of 1,614,014 alleles (0.008%); highest among the groups gnomAD compares: Admixed American, 0.025%; no homozygotes.

Submissions (3):

Ambry Genetics
Classification: Uncertain significance for Inborn genetic diseases. Last evaluated: 2025-11-24. Review status: criteria provided, single submitter. Criteria: Ambry Variant Classification Scheme 2023. Collection method: clinical testing. Allele origin: germline.

Labcorp Genetics (formerly Invitae), Labcorp
Classification: Uncertain significance. Last evaluated: 2023-11-27. Review status: criteria provided, single submitter. Criteria: Invitae Variant Classification Sherloc (09022015). Collection method: clinical testing. Allele origin: germline.
Comment: This sequence change replaces arginine, which is basic and polar, with tryptophan, which is neutral and slightly polar, at codon 1159 of the DENND5A protein (p.Arg1159Trp). This variant is present in population databases (rs780628819, gnomAD 0.04%). This variant has not been reported in the literature in individuals affected with DENND5A-related conditions. ClinVar contains an entry for this variant (Variation ID: 450133). Advanced modeling of protein sequence and biophysical properties (such as structural, functional, and spatial information, amino acid conservation, physicochemical variation, residue mobility, and thermodynamic stability) has been performed at Invitae for this missense variant, however the output from this modeling did not meet the statistical confidence thresholds required to predict the impact of this variant on DENND5A protein function. In summary, the available evidence is currently insufficient to determine the role of this variant in disease. Therefore, it has been classified as a Variant of Uncertain Significance.

GeneDx
Classification: Uncertain significance. Last evaluated: 2017-07-07. Review status: criteria provided, single submitter. Criteria: GeneDx Variant Classification (06012015). Collection method: clinical testing. Allele origin: germline. Affected: yes.
Comment: The R1159W variant in the DENND5A gene has not been reported previously as a pathogenic variant, nor as a benign variant, to our knowledge. The R1159W variant is observed in 3/11542 (0.025%) alleles from individuals of Latino background and in 2/8586 (0.023%) alleles from individuals of East Asian background, in the ExAC dataset (Lek et al., 2016). The R1159W variant is a non-conservative amino acid substitution, which is likely to impact secondary protein structure as these residues differ in polarity, charge, size and/or other properties. This substitution occurs at a position that is conserved across species. In silico analysis predicts this variant is probably damaging to the protein structure/function. We interpret R1159W as a variant of uncertain significance.

NM_015213.4(DENND5A):c.3475C>T (p.Arg1159Trp)

Gene: DENND5A (DENN domain containing 5A; minus strand). Cytogenetic location: 11p15.4.
Variant type: single nucleotide variant.
Coding change: c.3475C>T on transcript NM_015213.4 (MANE Select); coding-DNA position 3475, C replaced by T.
Protein change: p.Arg1159Trp; replaces arginine 1159 with tryptophan.
Molecular consequence: missense variant. On other transcripts: non-coding transcript variant (1).
Genome position (GRCh38, 1-based): chr11:9,142,758, G>A on the plus strand (C>T on the coding strand, the complement: DENND5A is on the minus strand). VCF-style: chr11-9142758-G-A. GRCh37 (hg19) VCF-style: chr11-9164305-G-A.
Other names: c.3187C>T, p.Arg1063Trp (NM_001348750.2); c.3475C>T, p.Arg1159Trp (NM_001243254.2); c.3403C>T, p.Arg1135Trp (NM_001348749.2); short protein forms R1159W, R1135W, R1063W.
Identifiers: ClinVar variation 450133 (VCV000450133.6), dbSNP rs780628819, ClinGen allele CA5877026.